The following is an entry in ClinVar:

ClinVar aggregate classification (germline): Conflicting classifications of pathogenicity. Review status: criteria provided, conflicting classifications (1 of 4 stars). 10 submissions from 10 submitters: Pathogenic (1); Likely pathogenic (6); Uncertain significance (3). Last evaluated 2026-08-20.

Conditions:
TNNT2-related disorder. Also called: TNNT2-related condition.
Cardiovascular phenotype. Identifiers: MedGen CN230736.
Hypertrophic cardiomyopathy 2. Also called: TNNT2-Related Familial Hypertrophic Cardiomyopathy. Identifiers: MedGen C1861864, MONDO:0007266, OMIM 115195.
Dilated cardiomyopathy 1D. Identifiers: Orphanet 154, Orphanet 54260, MedGen C1832243, MONDO:0011095, OMIM 601494.
Cardiomyopathy, familial restrictive, 3. Identifiers: Orphanet 75249, MedGen C2676271, MONDO:0012900, OMIM 612422.
Cardiomyopathy (CMYO). Also called: Cardiomyopathies. Identifiers: Orphanet 167848, MedGen C0878544, MONDO:0004994, HP:0001638. Inheritance: Various modes of inheritance.
Primary familial hypertrophic cardiomyopathy (HCM). Identifiers: Orphanet 99739, MedGen C0949658, MeSH D024741, MONDO:0024573. Inheritance: Various modes of inheritance.
Hypertrophic cardiomyopathy. Also called: HYPERTROPHIC MYOCARDIOPATHY. Identifiers: Orphanet 217569, MedGen C0007194, MeSH D002312, MONDO:0005045, HP:0001639.

Allele frequency attached by ClinVar (database versions not stated): TOPMed 0.00001; gnomAD 0.00001.
gnomAD v4.1: 1 of 1,613,990 alleles (0.000062%); highest among the groups gnomAD compares: Non-Finnish European, 0.000085%; no homozygotes.

Submissions 1 to 6 of 10:

GeneDx
Classification: Uncertain significance. Last evaluated: 2026-08-20. Review status: criteria provided, single submitter. Criteria: GeneDx Variant Classification Process June 2021. Collection method: clinical testing. Allele origin: germline.
Comment: Reported in association with cardiomyopathy (also described as K265I or K252I using alternate nomenclature); however, limited clinical information was provided and some patients harbored additional cardiogenetic variants (PMID: 26656175, 27483260, 27532257, 33673806); Published functional studies using human induced pluripotent stem cell models and assays with CRISPR/Cas9 to evaluate TNNT2 variants suggests that the K258I variant may increase cardiac microtissue contraction; however additional studies are needed to validate the functional effect of this variant in vivo (PMID: 33025817); In silico analysis supports that this missense variant has a deleterious effect on protein structure/function; Not observed at significant frequency in large population cohorts (gnomAD); This variant is associated with the following publications: (PMID: 27483260, 27532257, 33673806, 25611685, 30297972, 33495597, 29875424, 33495596, 28640247, 37652022, 26656175, 33025817)

PreventionGenetics, part of Exact Sciences
Classification: Likely pathogenic for TNNT2-related condition. Last evaluated: 2026-05-17. Review status: criteria provided, single submitter. Criteria: ACMG Guidelines, 2015. Collection method: clinical testing. Allele origin: germline.
Comment: The TNNT2 c.773A>T variant is predicted to result in the amino acid substitution p.Lys258Ile. This variant is alternatively referred to as c.755A>T (p.Lys252Ile) using transcript NM_001001432 and c.794A>T (p.Lys265Ile) using transcript NM_000364 in the literature. It has been reported in individuals with hypertrophic cardiomyopathy (HCM) (see, for example, Bottillo et al. 2016. PubMed ID: 26656175; Table S1B, Walsh et al. 2016. PubMed ID: 27532257; Additional file 2, Hathaway et al. 2021. PubMed ID: 33673806; Table S3, Mazzarotto et al. 2018. PubMed ID: 29875424; Table S2, Tadros et al. 2021. PubMed ID: 33495596). Functional studies demonstrate a HCM-like effect with elevated twitch force (Pettinato et al. 2020. PubMed ID: 33025817). This variant has not been reported in a large population database (gnomAD), indicating this variant is rare and has conflicting interpretations in ClinVar ranging from pathogenic to uncertain (Variation ID: 43670). This variant is interpreted as likely pathogenic.

Labcorp Genetics (formerly Invitae), Labcorp
Classification: Pathogenic for Cardiomyopathy, familial restrictive, 3; Hypertrophic cardiomyopathy 2; Dilated cardiomyopathy 1D. Last evaluated: 2026-01-26. Review status: criteria provided, single submitter. Criteria: Invitae Variant Classification Sherloc (09022015). Collection method: clinical testing. Allele origin: germline.
Comment: This sequence change replaces lysine, which is basic and polar, with isoleucine, which is neutral and non-polar, at codon 258 of the TNNT2 protein (p.Lys258Ile). This variant is not present in population databases (gnomAD no frequency). This missense change has been observed in individuals with hypertrophic cardiomyopathy (PMID: 26656175, 27483260, 27532257; internal data). This variant is also known as c.A775T, p.Lys252Ile, c.794C>T and p.Lys265Ile. ClinVar contains an entry for this variant (Variation ID: 43670). Invitae Evidence Modeling of protein sequence and biophysical properties (such as structural, functional, and spatial information, amino acid conservation, physicochemical variation, residue mobility, and thermodynamic stability) has been performed for this missense variant. However, the output from this modeling did not meet the statistical confidence thresholds required to predict the impact of this variant on TNNT2 protein function. For these reasons, this variant has been classified as Pathogenic.

Ambry Genetics
Classification: Likely pathogenic for Cardiovascular phenotype. Last evaluated: 2025-02-21. Review status: criteria provided, single submitter. Criteria: Ambry Variant Classification Scheme 2023. Collection method: clinical testing. Allele origin: germline.
Comment: The p.K258I variant (also known as c.773A>T), located in coding exon 13 of the TNNT2 gene, results from an A to T substitution at nucleotide position 773. The lysine at codon 258 is replaced by isoleucine, an amino acid with dissimilar properties. This variant (also referred to as p.K252I and p.K265I) was reported in individual(s) with features consistent with hypertrophic cardiomyopathy (Bottillo I et al. Gene, 2016 Feb;577:227-35; Rubattu S et al. Int J Mol Sci. 2016;17(8):1239; Walsh R et al. Genet. Med., 2017 02;19:192-203; Ko C et al. Genet Med. 2018 Jan;20(1):69-75Mazzarotto F et al. Genet Med. 2019 Feb;21(2):284-292; Hathaway J et al. BMC Cardiovasc Disord. 2021 Mar;21(1):126; external communication; Ambry internal data). One functional study indicated this variant may impact protein function (Pettinato AM et al. Circulation. 2020 Dec;142(23):2262-2275). This amino acid position is highly conserved in available vertebrate species. In addition, this alteration is predicted to be deleterious by in silico analysis. This variant is considered to be rare based on population cohorts in the Genome Aggregation Database (gnomAD). Based on the majority of available evidence to date, this variant is likely to be pathogenic.

All of Us Research Program, National Institutes of Health
Classification: Likely pathogenic for Hypertrophic cardiomyopathy. Last evaluated: 2024-07-29. Review status: criteria provided, single submitter. Criteria: ACMG Guidelines, 2015. Collection method: clinical testing. Allele origin: germline. Inheritance: Autosomal dominant inheritance. Observed: 2 variant alleles, 2 heterozygotes.
Comment: This missense variant replaces lysine with isoleucine at codon 258 of the TNNT2 protein. Computational prediction suggests that this variant may have a deleterious impact on protein structure and function (internally defined REVEL score threshold >= 0.7, PMID: 27666373). A functional study using human induced pluripotent stem cells has shown that this variant may impact TNNT2 protein function in manner consistent with hypertrophic cardiomyopathy (PMID: 33025817); the clinical relevance of this observation is not known. This variant has been reported in over 15 individuals affected with hypertrophic cardiomyopathy (PMID: 25611685, 26656175, 27483260, 27532257, 28640247, 29875424, 33495596, 33495597, 33673806; communication with an external laboratory; ClinVar SCV000060273.6, SCV000767829.7, SCV000209262.13). One of these individuals also carried a pathogenic variant in a different gene associated with cardiomyopathy (SCV000209262.13). This variant has not been identified in the general population by the Genome Aggregation Database (gnomAD). Based on the available evidence, this variant is classified as Likely Pathogenic.

This study involves interpretation of variants in research participants for the purpose of population health screening. Participant phenotype was not available at the time of variant classification. Additional details can be found in publication PMID: 35346344, PMCID: PMC8962531

Color Diagnostics, LLC DBA Color Health
Classification: Likely pathogenic for Cardiomyopathy. Last evaluated: 2024-06-13. Review status: criteria provided, single submitter. Criteria: ACMG Guidelines, 2015. Collection method: clinical testing. Allele origin: germline.
Comment: This missense variant replaces lysine with isoleucine at codon 258 of the TNNT2 protein. Computational prediction tools indicate that this variant has a deleterious impact on protein structure and function. A functional study using human induced pluripotent stem cells has shown that this variant may impact TNNT2 protein function in manner consistent with hypertrophic cardiomyopathy (PMID: 33025817). This variant has been reported in over 15 individuals affected with hypertrophic cardiomyopathy (PMID: 25611685, 26656175, 27483260, 27532257, 28640247, 29875424, 33495596, 33495597, 33673806; communication with an external laboratory; ClinVar SCV000060273.6, SCV000767829.7, SCV000209262.13). One of these individuals also carried a pathogenic variant in a different gene associated with cardiomyopathy (SCV000209262.13). This variant has not been identified in the general population by the Genome Aggregation Database (gnomAD). Based on the available evidence, this variant is classified as Likely Pathogenic.

NM_001276345.2(TNNT2):c.803A>T (p.Lys268Ile)

Gene: TNNT2 (troponin T2, cardiac type; minus strand). Cytogenetic location: 1q32.1.
Variant type: single nucleotide variant.
Coding change: c.803A>T on transcript NM_001276345.2 (MANE Select); coding-DNA position 803, A replaced by T.
Protein change: p.Lys268Ile; replaces lysine 268 with isoleucine.
Molecular consequence: missense variant.
Genome position (GRCh38, 1-based): chr1:201,361,286, T>A on the plus strand (A>T on the coding strand, the complement: TNNT2 is on the minus strand). VCF-style: chr1-201361286-T-A. GRCh37 (hg19) VCF-style: chr1-201330414-T-A.
Other names: p.K258I:AAA>ATA; c.794A>T, p.Lys265Ile (NM_000364.4); c.773A>T, p.Lys258Ile (NM_001001430.3, NM_001276347.2); c.764A>T, p.Lys255Ile (NM_001001431.3); c.755A>T, p.Lys252Ile (NM_001001432.3); c.674A>T, p.Lys225Ile (NM_001276346.2); short protein forms K258I, K265I, K252I, K225I, K255I, K268I.
Identifiers: ClinVar variation 43670 (VCV000043670.32), dbSNP rs397516482, ClinGen allele CA005099.